The following is an entry in ClinVar:

ClinVar aggregate classification (germline): Conflicting classifications of pathogenicity. Review status: criteria provided, conflicting classifications (1 of 4 stars). 2 submissions from 2 submitters: Uncertain significance (1); Likely benign (1). Last evaluated 2024-09-20.

Conditions:
Hypogonadotropic hypogonadism 5 with or without anosmia (KAL5). Also called: CHD7-Related GnRH Deficiency (Kallmann Syndrome 5); HYPOGONADOTROPIC HYPOGONADISM 5 WITH ANOSMIA; HYPOGONADOTROPHIC HYPOGONADISM 5 WITHOUT ANOSMIA. Identifiers: Orphanet 478, MedGen C3552553, MONDO:0012880, OMIM 612370. Disease mechanism: loss of function.
CHARGE syndrome (CHARGE). Also called: Hittner Hirsch Kreh syndrome; CHARGE ASSOCIATION--COLOBOMA, HEART ANOMALY, CHOANAL ATRESIA, RETARDATION, GENITAL AND EAR ANOMALIES; Coloboma, heart anomaly, choanal atresia, retardation, genital and ear anomalies; CHARGE association; Hall-Hittner syndrome. Identifiers: Orphanet 138, MedGen C0265354, MONDO:0008965.

Submissions (2):

3billion
Classification: Likely benign for CHD7-related CHARGE syndrome; Hypogonadotropic hypogonadism 5 with or without anosmia. Last evaluated: 2024-09-20. Review status: criteria provided, single submitter. Criteria: ACMG Guidelines, 2015. Collection method: clinical testing. Allele origin: germline. Affected: no.
Comment: The variant was identified in at least one patient who was diagnosed with a different variant in another gene and showed no symptoms related to the gene containing the variant in question.

Labcorp Genetics (formerly Invitae), Labcorp
Classification: Uncertain significance for CHARGE syndrome. Last evaluated: 2022-10-31. Review status: criteria provided, single submitter. Criteria: Invitae Variant Classification Sherloc (09022015). Collection method: clinical testing. Allele origin: germline.
Comment: Advanced modeling of protein sequence and biophysical properties (such as structural, functional, and spatial information, amino acid conservation, physicochemical variation, residue mobility, and thermodynamic stability) performed at Invitae indicates that this missense variant is not expected to disrupt CHD7 protein function. In summary, the available evidence is currently insufficient to determine the role of this variant in disease. Therefore, it has been classified as a Variant of Uncertain Significance. This variant has not been reported in the literature in individuals affected with CHD7-related conditions. This variant is not present in population databases (gnomAD no frequency). This sequence change replaces glycine, which is neutral and non-polar, with tryptophan, which is neutral and slightly polar, at codon 623 of the CHD7 protein (p.Gly623Trp).

NM_017780.4(CHD7):c.1867G>T (p.Gly623Trp)

Genes: CHD7 (chromodomain helicase DNA binding protein 7; plus strand), LOC126860403 (CDK7 strongly-dependent group 2 enhancer GRCh37_chr8:61693034-61694233; plus strand). Cytogenetic location: 8q12.2.
Variant type: single nucleotide variant.
Coding change: c.1867G>T on transcript NM_017780.4 (MANE Select); coding-DNA position 1867, G replaced by T.
Protein change: p.Gly623Trp; replaces glycine 623 with tryptophan.
Molecular consequence: missense variant. On other transcripts: intron variant (1).
Genome position (GRCh38, 1-based): chr8:60,781,201, G>T. VCF-style: chr8-60781201-G-T. GRCh37 (hg19) VCF-style: chr8-61693760-G-T.
Other names: c.1716+151G>T (NM_001316690.1); short protein forms G623W.
Identifiers: ClinVar variation 2782505 (VCV002782505.4), dbSNP rs375905260, ClinGen allele CA371312618.